The following is an entry in ClinVar:

NM_004963.4(GUCY2C):c.2912T>C (p.Ile971Thr)

Genes: GUCY2C (guanylate cyclase 2C; minus strand), PLBD1-AS1 (PLBD1 antisense RNA 1; plus strand). Cytogenetic location: 12p12.3.
Variant type: single nucleotide variant.
Coding change: c.2912T>C on transcript NM_004963.4 (MANE Select); coding-DNA position 2912, T replaced by C.
Protein change: p.Ile971Thr; replaces isoleucine 971 with threonine.
Molecular consequence: missense variant.
Genome position (GRCh38, 1-based): chr12:14,616,691, A>G on the plus strand (T>C on the coding strand, the complement: GUCY2C is on the minus strand). VCF-style: chr12-14616691-A-G. GRCh37 (hg19) VCF-style: chr12-14769625-A-G.
Other names: short protein forms I971T.
Identifiers: ClinVar variation 1405658 (VCV001405658.8), dbSNP rs769398068, ClinGen allele CA6462938.
Genomic context (GRCh38, chr12:14,616,691, plus strand): 5'-ACCTTTAAGTATGTTTCTCCTCTCACTTCATAAAGGAACTGGCACTCAGTTCTCTTCAGG[A>G]TGGCTATGGTGGAGCCACTCACGTGAATTCTCAAAGCTGGAAATGCAAATTGACAAATAA-3'
Protein context (NP_004954.2, residues 961-981): RIHVSGSTIA[Ile971Thr]LKRTECQFLY

ClinVar aggregate classification (germline): Uncertain significance (1 of 4 stars; one submission).

Allele frequency attached by ClinVar (database versions not stated): gnomAD exomes 0.00002 and 0.00005; ExAC 0.00003; TOPMed 0.00003; gnomAD 0.00007 and 0.00008.
gnomAD v4.1: 40 of 1,609,984 alleles (0.0025%); highest among the groups gnomAD compares: Admixed American, 0.027%; no homozygotes.

Submission:

Labcorp Genetics (formerly Invitae), Labcorp
Classification: Uncertain significance. Last evaluated: 2024-10-21. Review status: criteria provided, single submitter. Criteria: Invitae Variant Classification Sherloc (09022015). Collection method: clinical testing. Allele origin: germline.
Comment: This sequence change replaces isoleucine, which is neutral and non-polar, with threonine, which is neutral and polar, at codon 971 of the GUCY2C protein (p.Ile971Thr). This variant is present in population databases (rs769398068, gnomAD 0.02%). This variant has not been reported in the literature in individuals affected with GUCY2C-related conditions. ClinVar contains an entry for this variant (Variation ID: 1405658). Invitae Evidence Modeling of protein sequence and biophysical properties (such as structural, functional, and spatial information, amino acid conservation, physicochemical variation, residue mobility, and thermodynamic stability) indicates that this missense variant is not expected to disrupt GUCY2C protein function with a negative predictive value of 80%. In summary, the available evidence is currently insufficient to determine the role of this variant in disease. Therefore, it has been classified as a Variant of Uncertain Significance.